The following is an entry in ClinVar:

ClinVar aggregate classification (germline): Pathogenic (1 of 4 stars; one submission).

Conditions:
Peroxisome biogenesis disorder 9B. Also called: PEX7-Related Refsum Disease; PEROXISOME BIOGENESIS DISORDER, PEX7-RELATED, ATYPICAL; Refsum disease, adult, 2. Identifiers: Orphanet 773, MedGen C2749346, MONDO:0013945, OMIM 614879.

Submission:

Labcorp Genetics (formerly Invitae), Labcorp
Classification: Pathogenic for Peroxisome biogenesis disorder 9B. Last evaluated: 2023-12-14. Review status: criteria provided, single submitter. Criteria: Invitae Variant Classification Sherloc (09022015). Collection method: clinical testing. Allele origin: germline.
Comment: This sequence change creates a premature translational stop signal (p.Cys5Alafs*45) in the PEX7 gene. It is expected to result in an absent or disrupted protein product. Loss-of-function variants in PEX7 are known to be pathogenic (PMID: 12325024, 12522768, 20301447). This variant is not present in population databases (gnomAD no frequency). This variant has not been reported in the literature in individuals affected with PEX7-related conditions. For these reasons, this variant has been classified as Pathogenic.

Literature cited by the submitters: PubMed 12325024; PubMed 12522768; PubMed 20301447.

NM_000288.4(PEX7):c.12del (p.Cys5fs)

Gene: PEX7 (peroxisomal biogenesis factor 7; plus strand). Cytogenetic location: 6q23.3.
Variant type: Deletion.
Coding change: c.12del on transcript NM_000288.4 (MANE Select); coding-DNA position 12, one base deleted (G; older notation c.12delG).
Protein change: p.Cys5fs; shifts the reading frame from cysteine 5.
Molecular consequence: frameshift variant.
Genome position (GRCh38, 1-based): chr6:136,822,677, G deleted. VCF-style (leftmost placement, unchanged base first): chr6-136822676-TG-T. GRCh37 (hg19) VCF-style: chr6-137143814-TG-T.
Other names: short protein forms C5fs.
Identifiers: ClinVar variation 2703133 (VCV002703133.3), dbSNP rs2548068713, ClinGen allele CA2697553779.